The following is an entry in ClinVar:

NM_004525.3(LRP2):c.10646C>T (p.Pro3549Leu)

Gene: LRP2 (LDL receptor related protein 2; minus strand). Cytogenetic location: 2q31.1.
Variant type: single nucleotide variant.
Coding change: c.10646C>T on transcript NM_004525.3 (MANE Select); coding-DNA position 10646, C replaced by T.
Protein change: p.Pro3549Leu; replaces proline 3549 with leucine.
Molecular consequence: missense variant.
Genome position (GRCh38, 1-based): chr2:169,175,315, G>A on the plus strand (C>T on the coding strand, the complement: LRP2 is on the minus strand). VCF-style: chr2-169175315-G-A. GRCh37 (hg19) VCF-style: chr2-170031825-G-A.
Other names: short protein forms P3549L.
Identifiers: ClinVar variation 1304906 (VCV001304906.4), dbSNP rs199806925, ClinGen allele CA1953286.

ClinVar aggregate classification (germline): Uncertain significance. Review status: criteria provided, multiple submitters, no conflicts (2 of 4 stars). 3 submissions from 3 submitters: Uncertain significance (3). Last evaluated 2022-12-21.

Allele frequency attached by ClinVar (database versions not stated): gnomAD 0.00001 and 0.00003; TOPMed 0.00001; ExAC 0.00002; gnomAD exomes 0.00002 and 0.00004; 1000 Genomes Project 30x 0.00016; 1000 Genomes Project 0.00020.
gnomAD v4.1: 57 of 1,614,176 alleles (0.0035%); highest among the groups gnomAD compares: East Asian, 0.0045%; no homozygotes.

Submissions (3):

Blueprint Genetics
Classification: Uncertain significance. Last evaluated: 2022-12-21. Review status: criteria provided, single submitter. Criteria: ACMG Guidelines, 2015. Collection method: clinical testing. Allele origin: germline.

Labcorp Genetics (formerly Invitae), Labcorp
Classification: Uncertain significance. Last evaluated: 2022-10-04. Review status: criteria provided, single submitter. Criteria: Invitae Variant Classification Sherloc (09022015). Collection method: clinical testing. Allele origin: germline.
Comment: This sequence change replaces proline, which is neutral and non-polar, with leucine, which is neutral and non-polar, at codon 3549 of the LRP2 protein (p.Pro3549Leu). This variant is present in population databases (rs199806925, gnomAD 0.005%). This variant has not been reported in the literature in individuals affected with LRP2-related conditions. ClinVar contains an entry for this variant (Variation ID: 1304906). Algorithms developed to predict the effect of missense changes on protein structure and function (SIFT, PolyPhen-2, Align-GVGD) all suggest that this variant is likely to be disruptive. In summary, the available evidence is currently insufficient to determine the role of this variant in disease. Therefore, it has been classified as a Variant of Uncertain Significance.

GeneDx
Classification: Uncertain significance. Last evaluated: 2019-10-04. Review status: criteria provided, single submitter. Criteria: GeneDx Variant Classification Process June 2021. Collection method: clinical testing. Allele origin: germline. Affected: yes.
Comment: In silico analysis, which includes protein predictors and evolutionary conservation, supports a deleterious effect; Has not been previously published as pathogenic or benign to our knowledge